The following is an entry in ClinVar:

NM_006904.7(PRKDC):c.2421T>G (p.Asp807Glu)

Gene: PRKDC (protein kinase, DNA-activated, catalytic subunit; minus strand). Cytogenetic location: 8q11.21.
Variant type: single nucleotide variant.
Coding change: c.2421T>G on transcript NM_006904.7 (MANE Select); coding-DNA position 2421, T replaced by G.
Protein change: p.Asp807Glu; replaces aspartic acid 807 with glutamic acid.
Molecular consequence: missense variant.
Genome position (GRCh38, 1-based): chr8:47,918,382, A>C on the plus strand (T>G on the coding strand, the complement: PRKDC is on the minus strand). VCF-style: chr8-47918382-A-C. GRCh37 (hg19) VCF-style: chr8-48830942-A-C.
Other names: c.2421T>G, p.Asp807Glu (NM_001081640.2); short protein forms D807E.
Identifiers: ClinVar variation 961218 (VCV000961218.10), dbSNP rs564617559, ClinGen allele CA4741450.

ClinVar aggregate classification (germline): Uncertain significance. Review status: criteria provided, multiple submitters, no conflicts (2 of 4 stars). 2 submissions from 2 submitters: Uncertain significance (2). Last evaluated 2022-02-24.

Conditions:
Severe combined immunodeficiency due to DNA-PKcs deficiency. Also called: IMMUNODEFICIENCY 26 WITH NEUROLOGIC ABNORMALITIES; Immunodeficiency 26 with or without neurologic abnormalities. Identifiers: Orphanet 317425, MedGen C4014833, MONDO:0014423, OMIM 615966.

Allele frequency attached by ClinVar (database versions not stated): 1000 Genomes Project 0.00020; 1000 Genomes Project 30x 0.00031.

Submissions (2):

Ambry Genetics
Classification: Uncertain significance. Last evaluated: 2022-02-24. Review status: criteria provided, single submitter. Criteria: Ambry Variant Classification Scheme 2023. Collection method: clinical testing. Allele origin: germline.
Comment: The p.D807E variant (also known as c.2421T>G), located in coding exon 22 of the PRKDC gene, results from a T to G substitution at nucleotide position 2421. The aspartic acid at codon 807 is replaced by glutamic acid, an amino acid with highly similar properties. This amino acid position is conserved. In addition, this alteration is predicted to be tolerated by in silico analysis. Since supporting evidence is limited at this time, the clinical significance of this alteration remains unclear.

Labcorp Genetics (formerly Invitae), Labcorp
Classification: Uncertain significance for Severe combined immunodeficiency due to DNA-PKcs deficiency. Last evaluated: 2021-11-30. Review status: criteria provided, single submitter. Criteria: Invitae Variant Classification Sherloc (09022015). Collection method: clinical testing. Allele origin: germline.
Comment: This sequence change replaces aspartic acid, which is acidic and polar, with glutamic acid, which is acidic and polar, at codon 807 of the PRKDC protein (p.Asp807Glu). In summary, the available evidence is currently insufficient to determine the role of this variant in disease. Therefore, it has been classified as a Variant of Uncertain Significance. Experimental studies and prediction algorithms are not available or were not evaluated, and the functional significance of this variant is currently unknown. ClinVar contains an entry for this variant (Variation ID: 961218). This variant has not been reported in the literature in individuals affected with PRKDC-related conditions. This variant is present in population databases (rs564617559, gnomAD 0.001%).